The following is an entry in ClinVar:

NM_006440.5(TXNRD2):c.1070T>C (p.Ile357Thr)

Gene: TXNRD2 (thioredoxin reductase 2; minus strand). Cytogenetic location: 22q11.21.
Variant type: single nucleotide variant.
Coding change: c.1070T>C on transcript NM_006440.5 (MANE Select); coding-DNA position 1070, T replaced by C.
Protein change: p.Ile357Thr; replaces isoleucine 357 with threonine.
Molecular consequence: missense variant. On other transcripts: non-coding transcript variant (1).
Genome position (GRCh38, 1-based): chr22:19,883,341, A>G on the plus strand (T>C on the coding strand, the complement: TXNRD2 is on the minus strand). VCF-style: chr22-19883341-A-G. GRCh37 (hg19) VCF-style: chr22-19870864-A-G.
Other names: c.1067T>C, p.Ile356Thr (NM_001352300.2); c.980T>C, p.Ile327Thr (NM_001352301.2); c.782T>C, p.Ile261Thr (NM_001352302.2); short protein forms I357T, I261T, I356T, I327T.
Identifiers: ClinVar variation 2167984 (VCV002167984.6), dbSNP rs375498636, ClinGen allele CA10103848.

ClinVar aggregate classification (germline): Uncertain significance. Review status: criteria provided, multiple submitters, no conflicts (2 of 4 stars). 2 submissions from 2 submitters: Uncertain significance (2). Last evaluated 2025-05-15.

Conditions:
Cardiovascular phenotype. Identifiers: MedGen CN230736.
Primary dilated cardiomyopathy (DCM). Also called: Dilated Cardiomyopathy. Identifiers: Orphanet 217604, MedGen C0007193, MeSH D002311, MONDO:0005021, HP:0001644. Inheritance: Various modes of inheritance.

Allele frequency attached by ClinVar (database versions not stated): gnomAD exomes 0.00001; ExAC 0.00002; TOPMed 0.00003; ESP Exome Variant Server 0.00008.
gnomAD v4.1: 20 of 1,613,894 alleles (0.0012%); highest among the groups gnomAD compares: South Asian, 0.0033%; no homozygotes.

Submissions (2):

Ambry Genetics
Classification: Uncertain significance for Cardiovascular phenotype. Last evaluated: 2025-05-15. Review status: criteria provided, single submitter. Criteria: Ambry Variant Classification Scheme 2023. Collection method: clinical testing. Allele origin: germline.

Labcorp Genetics (formerly Invitae), Labcorp
Classification: Uncertain significance for Primary dilated cardiomyopathy. Last evaluated: 2022-05-21. Review status: criteria provided, single submitter. Criteria: Invitae Variant Classification Sherloc (09022015). Collection method: clinical testing. Allele origin: germline.
Comment: In summary, the available evidence is currently insufficient to determine the role of this variant in disease. Therefore, it has been classified as a Variant of Uncertain Significance. Algorithms developed to predict the effect of missense changes on protein structure and function are either unavailable or do not agree on the potential impact of this missense change (SIFT: "Deleterious"; PolyPhen-2: "Probably Damaging"; Align-GVGD: "Class C0"). This variant has not been reported in the literature in individuals affected with TXNRD2-related conditions. This variant is present in population databases (rs375498636, gnomAD 0.01%). This sequence change replaces isoleucine, which is neutral and non-polar, with threonine, which is neutral and polar, at codon 357 of the TXNRD2 protein (p.Ile357Thr).